The following is an entry in ClinVar:

NM_014629.4(ARHGEF10):c.2812G>A (p.Val938Ile)

Gene: ARHGEF10 (Rho guanine nucleotide exchange factor 10; plus strand). Cytogenetic location: 8p23.3.
Variant type: single nucleotide variant.
Coding change: c.2812G>A on transcript NM_014629.4 (MANE Select); coding-DNA position 2812, G replaced by A.
Protein change: p.Val938Ile; replaces valine 938 with isoleucine.
Molecular consequence: missense variant.
Genome position (GRCh38, 1-based): chr8:1,928,541, G>A. VCF-style: chr8-1928541-G-A. GRCh37 (hg19) VCF-style: chr8-1876707-G-A.
Other names: c.2698G>A, p.Val900Ile (NM_001308152.2); c.2812G>A, p.Val938Ile (NM_001308153.3); short protein forms V938I, V962I, V900I.
Identifiers: ClinVar variation 522268 (VCV000522268.44), dbSNP rs61752020, ClinGen allele CA4601074.
Genomic context (GRCh38, chr8:1,928,541, plus strand): 5'-TCCACTCCCAAAGTCATTGAGTGCTTCAACGTGGAATCTCGCATCCTGTGCATGCTGTAC[G>A]TTCCCGTCGAGGAGAAGCGCAGAGAGCCTGGGGCACCCCCGGACCCCGAGACCCCGGCCG-3'
Protein context (NP_055444.2, residues 928-948): VESRILCMLY[Val938Ile]PVEEKRREPG

ClinVar aggregate classification (germline): Benign/Likely benign. Review status: criteria provided, multiple submitters, no conflicts (2 of 4 stars). 5 submissions from 5 submitters: Benign (1); Likely benign (3). 1 of the submissions does not count toward it. Last evaluated 2026-09-01.

Conditions:
Autosomal dominant slowed nerve conduction velocity. Identifiers: Orphanet 140481, MedGen C1842357, MONDO:0011998, OMIM 608236.

Allele frequency attached by ClinVar (database versions not stated): 1000 Genomes Project 30x 0.00250; 1000 Genomes Project 0.00300; ExAC 0.00551; gnomAD 0.00603 and 0.00620; TOPMed 0.00614; ESP Exome Variant Server 0.00800.
gnomAD v4.1: 14,761 of 1,614,186 alleles (0.91%); highest among the groups gnomAD compares: Non-Finnish European, 1.2%; 91 homozygotes.

Submissions (5):

CeGaT Center for Human Genetics Tuebingen
Classification: Benign. Last evaluated: 2026-09-01. Review status: criteria provided, single submitter. Criteria: CeGaT Center For Human Genetics Tuebingen Variant Classification Criteria Version 2. Collection method: clinical testing. Allele origin: germline. Affected: yes. Observed: 24 variant alleles.
Comment: ARHGEF10: BP4, BS1, BS2

Labcorp Genetics (formerly Invitae), Labcorp
Classification: Likely benign. Last evaluated: 2026-01-16. Review status: criteria provided, single submitter. Criteria: Invitae Variant Classification Sherloc (09022015). Collection method: clinical testing. Allele origin: germline.

Blueprint Genetics
Classification: Likely benign. Last evaluated: 2024-11-22. Review status: criteria provided, single submitter. Criteria: ACMG Guidelines, 2015. Collection method: clinical testing. Allele origin: germline.

Genome Diagnostics Laboratory, University Medical Center Utrecht
Classification: Likely benign for Autosomal dominant slowed nerve conduction velocity. Last evaluated: 2016-03-10. Review status: criteria provided, single submitter. Criteria: ACGS Guidelines, 2013. Collection method: clinical testing. Allele origin: germline. Affected: yes. Study: VKGL Data-share Consensus.

Clinical Genetics, Academic Medical Center
Classification: Benign. Review status: no assertion criteria provided. Collection method: clinical testing. Allele origin: germline. Affected: yes. Study: VKGL Data-share Consensus. Not counted in ClinVar's aggregate classification.